The following is an entry in ClinVar:

NM_000064.4(C3):c.3043_3048dup (p.Ile1016_Gly1017insMetIle)

Gene: C3 (complement C3; minus strand). Cytogenetic location: 19p13.3.
Variant type: Duplication.
Coding change: c.3043_3048dup on transcript NM_000064.4 (MANE Select); coding-DNA positions 3043 to 3048, 6 bases duplicated (ATGATC; older notation c.3043_3048dupATGATC).
Protein change: p.Ile1016_Gly1017insMetIle.
Molecular consequence: inframe insertion.
Genome position (GRCh38, 1-based): chr19:6,694,537-6,694,542, GATCAT duplicated on the plus strand (ATGATC on the coding strand, the reverse complement: C3 is on the minus strand); duplicating any 6 consecutive bases within chr19:6,694,537-6,694,543 gives the same sequence; the c. name uses the placement nearest the transcript's 3' end. VCF-style (leftmost placement, unchanged base first): chr19-6694536-C-CGATCAT. GRCh37 (hg19) VCF-style: chr19-6694547-C-CGATCAT.
Identifiers: ClinVar variation 2810360 (VCV002810360.3), dbSNP rs2512244388, ClinGen allele CA2739271715.

ClinVar aggregate classification (germline): Uncertain significance (1 of 4 stars; one submission).

Submission:

Labcorp Genetics (formerly Invitae), Labcorp
Classification: Uncertain significance. Last evaluated: 2022-10-28. Review status: criteria provided, single submitter. Criteria: Invitae Variant Classification Sherloc (09022015). Collection method: clinical testing. Allele origin: germline.
Comment: In summary, the available evidence is currently insufficient to determine the role of this variant in disease. Therefore, it has been classified as a Variant of Uncertain Significance. Experimental studies and prediction algorithms are not available or were not evaluated, and the functional significance of this variant is currently unknown. This variant has not been reported in the literature in individuals affected with C3-related conditions. This variant is not present in population databases (gnomAD no frequency). This variant, c.3043_3048dup, results in the insertion of 2 amino acid(s) of the C3 protein (p.Met1015_Ile1016dup), but otherwise preserves the integrity of the reading frame.